The following is an entry in ClinVar:

ClinVar aggregate classification (germline): Likely pathogenic (3 of 4 stars; one submission).

Conditions:
Hereditary factor VIII deficiency disease (HEMA). Also called: HEMOPHILIA, CLASSIC; AUTOSOMAL HEMOPHILIA A; Hemophilia A; Hemophilia A, congenital; HEM A; Factor 8 deficiency, congenital. Identifiers: Orphanet 98878, MedGen C0019069, MONDO:0010602, OMIM 306700.

Submission:

ClinGen Coagulation Factor Deficiency Variant Curation Expert Panel, Clingen
Classification: Likely pathogenic for Hereditary factor VIII deficiency disease. Last evaluated: 2025-12-05. Review status: reviewed by expert panel. Criteria: ClinGen CoagFactor ACMG Specifications F8 V1.0.0. Collection method: curation. Allele origin: germline. Inheritance: X-linked inheritance.
Comment: The NM_000132.4(F8):c.331G>A (p.Ala111Thr) variant is a missense variant in F8 that is absent from population databases (gnomAD v2.1.1/gnomAD v3; PM2_Supporting) and is predicted to have a deleterious effect (REVEL score of 0.966), which is greater than the ClinGen CFD threshold for PP3 (>0.6; PP3). This variant has been observed in at least four probands in the literature with moderate to severe hemophilia A, both with and without the development of F8 inhibitors (PMID:25628142, PMID:15682412, PMID:33254277, PS4_Moderate; PMID:29296726, PP4_Moderate). In summary, this variant meets the criteria to be classified as likely pathogenic for hemophilia A. ACMG/AMP criteria applied, as specified by the Coagulation Factor Deficiency Variant Curation Expert Panel (specifications version 1.0.0) for F8: PS4_Moderate, PP4_Moderate, PM2_Supporting, PP3.

NM_000132.4(F8):c.331G>A (p.Ala111Thr)

Gene: F8 (coagulation factor VIII; minus strand). Cytogenetic location: Xq28.
Variant type: single nucleotide variant.
Coding change: c.331G>A on transcript NM_000132.4 (MANE Select); coding-DNA position 331, G replaced by A.
Protein change: p.Ala111Thr; replaces alanine 111 with threonine.
Molecular consequence: missense variant.
Genome position (GRCh38, 1-based): chrX:154,997,030, C>T on the plus strand (G>A on the coding strand, the complement: F8 is on the minus strand). VCF-style: chrX-154997030-C-T. GRCh37 (hg19) VCF-style: chrX-154225305-C-T.
Other names: NM_000132.4:c.331G>A; short protein forms A111T.
Identifiers: ClinVar variation 4538570 (VCV004538570.1).